The following is an entry in ClinVar:

ClinVar aggregate classification (germline): Uncertain significance. Review status: criteria provided, multiple submitters, no conflicts (2 of 4 stars). 3 submissions from 3 submitters: Uncertain significance (3). Last evaluated 2025-04-28.

Conditions:
Ichthyosis linearis circumflexa. Identifiers: MedGen C0265962, MONDO:0043106, HP:0025810.

Allele frequency attached by ClinVar (database versions not stated): gnomAD exomes 0.00002; ExAC 0.00004; ESP Exome Variant Server 0.00008.
gnomAD v4.1: 34 of 1,612,302 alleles (0.0021%); highest among the groups gnomAD compares: Admixed American, 0.0033%; no homozygotes.

Submissions (3):

GeneDx
Classification: Uncertain significance. Last evaluated: 2025-04-28. Review status: criteria provided, single submitter. Criteria: GeneDx Variant Classification Process June 2021. Collection method: clinical testing. Allele origin: germline. Affected: yes.
Comment: Has not been previously published as pathogenic or benign to our knowledge; In silico analysis indicates that this missense variant does not alter protein structure/function

Blueprint Genetics
Classification: Uncertain significance. Last evaluated: 2024-11-25. Review status: criteria provided, single submitter. Criteria: ACMG Guidelines, 2015. Collection method: clinical testing. Allele origin: germline.

Labcorp Genetics (formerly Invitae), Labcorp
Classification: Uncertain significance for Ichthyosis linearis circumflexa. Last evaluated: 2022-07-17. Review status: criteria provided, single submitter. Criteria: Invitae Variant Classification Sherloc (09022015). Collection method: clinical testing. Allele origin: germline.
Comment: This variant has not been reported in the literature in individuals affected with SPINK5-related conditions. This variant is present in population databases (rs372354012, gnomAD 0.01%). This sequence change replaces arginine, which is basic and polar, with cysteine, which is neutral and slightly polar, at codon 319 of the SPINK5 protein (p.Arg319Cys). Algorithms developed to predict the effect of missense changes on protein structure and function are either unavailable or do not agree on the potential impact of this missense change (SIFT: "Tolerated"; PolyPhen-2: "Probably Damaging"; Align-GVGD: "Class C0"). In summary, the available evidence is currently insufficient to determine the role of this variant in disease. Therefore, it has been classified as a Variant of Uncertain Significance.

NM_006846.4(SPINK5):c.955C>T (p.Arg319Cys)

Gene: SPINK5 (serine peptidase inhibitor Kazal type 5; plus strand). Cytogenetic location: 5q32.
Variant type: single nucleotide variant.
Coding change: c.955C>T on transcript NM_006846.4 (MANE Select); coding-DNA position 955, C replaced by T.
Protein change: p.Arg319Cys; replaces arginine 319 with cysteine.
Molecular consequence: missense variant.
Genome position (GRCh38, 1-based): chr5:148,097,939, C>T. VCF-style: chr5-148097939-C-T. GRCh37 (hg19) VCF-style: chr5-147477502-C-T.
Other names: c.955C>T, p.Arg319Cys (NM_001127698.2, NM_001127699.2); short protein forms R319C.
Identifiers: ClinVar variation 2193588 (VCV002193588.4), dbSNP rs372354012, ClinGen allele CA3495418.